The following is an entry in ClinVar:

NM_005787.6(ALG3):c.890A>G (p.His297Arg)

Gene: ALG3 (ALG3 alpha-1,3- mannosyltransferase; minus strand). Cytogenetic location: 3q27.1.
Variant type: single nucleotide variant.
Coding change: c.890A>G on transcript NM_005787.6 (MANE Select); coding-DNA position 890, A replaced by G.
Protein change: p.His297Arg; replaces histidine 297 with arginine.
Molecular consequence: missense variant. On other transcripts: non-coding transcript variant (2).
Genome position (GRCh38, 1-based): chr3:184,243,833, T>C on the plus strand (A>G on the coding strand, the complement: ALG3 is on the minus strand). VCF-style: chr3-184243833-T-C. GRCh37 (hg19) VCF-style: chr3-183961621-T-C.
Other names: c.746A>G, p.His249Arg (NM_001006941.2); c.785A>G, p.His262Arg (NM_001006942.1); c.890A>G (NM_005787.5); short protein forms H249R, H297R, H262R.
Identifiers: ClinVar variation 2059983 (VCV002059983.3), dbSNP rs557190648, ClinGen allele CA2729402.

ClinVar aggregate classification (germline): Uncertain significance. Review status: criteria provided, multiple submitters, no conflicts (2 of 4 stars). 3 submissions from 3 submitters: Uncertain significance (3). Last evaluated 2024-02-15.

Conditions:
Inborn genetic diseases. Identifiers: MedGen C0950123, MeSH D030342.
ALG3-congenital disorder of glycosylation. Also called: ALG3-CDG; CONGENITAL DISORDER OF GLYCOSYLATION, TYPE Id; CARBOHYDRATE-DEFICIENT GLYCOPROTEIN SYNDROME, TYPE IV; CDGS, TYPE IV; CDG Id. Identifiers: Orphanet 79321, MedGen C1832736, MONDO:0010998, OMIM 601110.

Allele frequency attached by ClinVar (database versions not stated): gnomAD exomes 0.00001; TOPMed 0.00001.
gnomAD v4.1: 15 of 1,613,846 alleles (0.00093%); highest among the groups gnomAD compares: Admixed American, 0.02%; no homozygotes.

Submissions (3):

Fulgent Genetics
Classification: Uncertain significance for ALG3-congenital disorder of glycosylation. Last evaluated: 2024-02-15. Review status: criteria provided, single submitter. Criteria: ACMG Guidelines, 2015. Collection method: clinical testing. Allele origin: germline.

Ambry Genetics
Classification: Uncertain significance for Inborn genetic diseases. Last evaluated: 2024-01-23. Review status: criteria provided, single submitter. Criteria: Ambry Variant Classification Scheme 2023. Collection method: clinical testing. Allele origin: germline.

Labcorp Genetics (formerly Invitae), Labcorp
Classification: Uncertain significance for ALG3-congenital disorder of glycosylation. Last evaluated: 2022-07-09. Review status: criteria provided, single submitter. Criteria: Invitae Variant Classification Sherloc (09022015). Collection method: clinical testing. Allele origin: germline.
Comment: This sequence change replaces histidine, which is basic and polar, with arginine, which is basic and polar, at codon 297 of the ALG3 protein (p.His297Arg). This variant is present in population databases (rs557190648, gnomAD 0.03%). This variant has not been reported in the literature in individuals affected with ALG3-related conditions. Algorithms developed to predict the effect of missense changes on protein structure and function (SIFT, PolyPhen-2, Align-GVGD) all suggest that this variant is likely to be disruptive. In summary, the available evidence is currently insufficient to determine the role of this variant in disease. Therefore, it has been classified as a Variant of Uncertain Significance.